The following is an entry in ClinVar:

ClinVar aggregate classification (germline): Uncertain significance. Review status: criteria provided, multiple submitters, no conflicts (2 of 4 stars). 4 submissions from 4 submitters: Uncertain significance (3). 1 of the submissions does not count toward it. Last evaluated 2024-10-11.

Conditions:
Primary ciliary dyskinesia. Also called: Ciliary dyskinesia. Identifiers: Orphanet 244, MedGen C0008780, MONDO:0016575, HP:0012265.
RSPH1-related disorder. Also called: RSPH1-related condition.
Inborn genetic diseases. Identifiers: MedGen C0950123, MeSH D030342.

Allele frequency attached by ClinVar (database versions not stated): ExAC 0.00009; gnomAD 0.00009; ESP Exome Variant Server 0.00015; gnomAD exomes 0.00015 and 0.00016; 1000 Genomes Project 30x 0.00016; TOPMed 0.00016; 1000 Genomes Project 0.00020.
gnomAD v4.1: 238 of 1,612,076 alleles (0.015%); highest among the groups gnomAD compares: Non-Finnish European, 0.016%; no homozygotes.

Submissions (4):

Ambry Genetics
Classification: Uncertain significance for Inborn genetic diseases. Last evaluated: 2024-10-11. Review status: criteria provided, single submitter. Criteria: Ambry Variant Classification Scheme 2023. Collection method: clinical testing. Allele origin: germline.

Labcorp Genetics (formerly Invitae), Labcorp
Classification: Uncertain significance for Primary ciliary dyskinesia. Last evaluated: 2022-10-17. Review status: criteria provided, single submitter. Criteria: Invitae Variant Classification Sherloc (09022015). Collection method: clinical testing. Allele origin: germline.
Comment: This sequence change replaces arginine, which is basic and polar, with cysteine, which is neutral and slightly polar, at codon 187 of the RSPH1 protein (p.Arg187Cys). This variant is present in population databases (rs150576105, gnomAD 0.2%). This variant has not been reported in the literature in individuals affected with RSPH1-related conditions. ClinVar contains an entry for this variant (Variation ID: 572380). Algorithms developed to predict the effect of missense changes on protein structure and function are either unavailable or do not agree on the potential impact of this missense change (SIFT: "Deleterious"; PolyPhen-2: "Benign"; Align-GVGD: "Class C15"). In summary, the available evidence is currently insufficient to determine the role of this variant in disease. Therefore, it has been classified as a Variant of Uncertain Significance.

Breakthrough Genomics
Classification: Uncertain significance. Review status: criteria provided, single submitter. Criteria: ACMG Guidelines, 2015. Collection method: not provided. Allele origin: germline. Inheritance: Autosomal dominant inheritance. Affected: yes.

PreventionGenetics, part of Exact Sciences
Classification: Uncertain significance for RSPH1-related condition. Last evaluated: 2024-08-13. Review status: no assertion criteria provided. Collection method: clinical testing. Allele origin: germline. Not counted in ClinVar's aggregate classification.
Comment: The RSPH1 c.559C>T variant is predicted to result in the amino acid substitution p.Arg187Cys. To our knowledge, this variant has not been reported in the literature. This variant is reported in 0.14% of alleles in individuals of Ashkenazi Jewish descent in gnomAD. Although we suspect that this variant may be benign, at this time, the clinical significance of this variant is uncertain due to the absence of conclusive functional and genetic evidence.

NM_080860.4(RSPH1):c.559C>T (p.Arg187Cys)

Gene: RSPH1 (radial spoke head component 1; minus strand). Cytogenetic location: 21q22.3.
Variant type: single nucleotide variant.
Coding change: c.559C>T on transcript NM_080860.4 (MANE Select); coding-DNA position 559, C replaced by T.
Protein change: p.Arg187Cys; replaces arginine 187 with cysteine.
Molecular consequence: missense variant.
Genome position (GRCh38, 1-based): chr21:42,482,651, G>A on the plus strand (C>T on the coding strand, the complement: RSPH1 is on the minus strand). VCF-style: chr21-42482651-G-A. GRCh37 (hg19) VCF-style: chr21-43902761-G-A.
Other names: c.445C>T, p.Arg149Cys (NM_001286506.2); c.559C>T (NM_080860.2); short protein forms R187C, R149C.
Identifiers: ClinVar variation 572380 (VCV000572380.11), dbSNP rs150576105, ClinGen allele CA10043895.